The following is an entry in ClinVar:

ClinVar aggregate classification (germline): Uncertain significance (1 of 4 stars; one submission).

Conditions:
Inborn genetic diseases. Identifiers: MedGen C0950123, MeSH D030342.

gnomAD v4.1: 1 of 1,612,904 alleles (0.000062%); highest among the groups gnomAD compares: Non-Finnish European, 0.000085%; no homozygotes.

Submission:

Ambry Genetics
Classification: Uncertain significance for Inborn genetic diseases. Last evaluated: 2025-02-14. Review status: criteria provided, single submitter. Criteria: Ambry Variant Classification Scheme 2023. Collection method: clinical testing. Allele origin: germline.
Comment: The p.A154T variant (also known as c.460G>A), located in coding exon 6 of the ASXL1 gene, results from a G to A substitution at nucleotide position 460. The alanine at codon 154 is replaced by threonine, an amino acid with similar properties. This amino acid position is conserved. In addition, this alteration is predicted to be tolerated by in silico analysis. Based on the available evidence, the clinical significance of this variant remains unclear.

NM_015338.6(ASXL1):c.460G>A (p.Ala154Thr)

Gene: ASXL1 (ASXL transcriptional regulator 1; plus strand). Cytogenetic location: 20q11.21.
Variant type: single nucleotide variant.
Coding change: c.460G>A on transcript NM_015338.6 (MANE Select); coding-DNA position 460, G replaced by A.
Protein change: p.Ala154Thr; replaces alanine 154 with threonine.
Molecular consequence: missense variant.
Genome position (GRCh38, 1-based): chr20:32,428,411, G>A. VCF-style: chr20-32428411-G-A. GRCh37 (hg19) VCF-style: chr20-31016214-G-A.
Other names: c.430G>A, p.Ala144Thr (NM_001363734.1); short protein forms A154T, A144T.
Identifiers: ClinVar variation 3793524 (VCV003793524.1).